The following is an entry in ClinVar:

ClinVar aggregate classification (germline): Uncertain significance (1 of 4 stars; one submission).

gnomAD v4.1: 6 of 1,613,588 alleles (0.00037%); highest among the groups gnomAD compares: African/African-American, 0.008%; no homozygotes.

Submission:

Labcorp Genetics (formerly Invitae), Labcorp
Classification: Uncertain significance. Last evaluated: 2025-08-11. Review status: criteria provided, single submitter. Criteria: Invitae Variant Classification Sherloc (09022015). Collection method: clinical testing. Allele origin: germline.
Comment: This sequence change replaces methionine, which is neutral and non-polar, with lysine, which is basic and polar, at codon 91 of the IFITM5 protein (p.Met91Lys). This variant is present in population databases (rs566179255, gnomAD 0.03%). This variant has not been reported in the literature in individuals affected with IFITM5-related conditions. An algorithm developed to predict the effect of missense changes on protein structure and function (PolyPhen-2) suggests that this variant is likely to be tolerated. In summary, the available evidence is currently insufficient to determine the role of this variant in disease. Therefore, it has been classified as a Variant of Uncertain Significance.

NM_001025295.3(IFITM5):c.272T>A (p.Met91Lys)

Gene: IFITM5 (interferon induced transmembrane protein 5; minus strand). Cytogenetic location: 11p15.5.
Variant type: single nucleotide variant.
Coding change: c.272T>A on transcript NM_001025295.3 (MANE Select); coding-DNA position 272, T replaced by A.
Protein change: p.Met91Lys; replaces methionine 91 with lysine.
Molecular consequence: missense variant.
Genome position (GRCh38, 1-based): chr11:298,628, A>T on the plus strand (T>A on the coding strand, the complement: IFITM5 is on the minus strand). VCF-style: chr11-298628-A-T. GRCh37 (hg19) VCF-style: chr11-298628-A-T.
Other names: short protein forms M91K.
Identifiers: ClinVar variation 4699006 (VCV004699006.1).